The following is an entry in ClinVar:

Conditions:
Breast-ovarian cancer, familial, susceptibility to, 1 (BROVCA1). Also called: BRCA1 Hereditary Breast and Ovarian Cancer; OVARIAN CANCER, SUSCEPTIBILITY TO. Identifiers: Orphanet 145, MedGen C2676676, MONDO:0011450, OMIM 604370. Disease mechanism: loss of function.

Submission:

Brotman Baty Institute, University of Washington
No classification provided (evidence only). Condition: Breast-ovarian cancer, familial 1. Review status: no classification provided. Collection method: in vitro. Allele origin: not applicable. Functional consequence: functionally_normal.
ClinVar note: "not provided" was previously submitted as the classification for the variant. However, the classification appeared to be based only on an observation of functional data so it was converted to no classification on 2025-07-30.

NM_007294.4(BRCA1):c.4926A>C (p.Ser1642=)

Gene: BRCA1 (BRCA1 DNA repair associated; minus strand). Cytogenetic location: 17q21.31.
Variant type: single nucleotide variant.
Coding change: c.4926A>C on transcript NM_007294.4 (MANE Select); coding-DNA position 4926, A replaced by C.
Protein change: p.Ser1642=; no amino-acid change (serine 1642 retained).
Molecular consequence: synonymous variant. On other transcripts: intron variant (1).
Genome position (GRCh38, 1-based): chr17:43,070,988, T>G on the plus strand (A>C on the coding strand, the complement: BRCA1 is on the minus strand). VCF-style: chr17-43070988-T-G. GRCh37 (hg19) VCF-style: chr17-41223005-T-G.
Other names: c.4713A>C, p.Ser1571= (NM_001407571.1, NM_001407894.1, NM_001407895.1 and 12 more transcripts); c.4992A>C, p.Ser1664= (NM_001407581.1, NM_001407582.1); c.4989A>C, p.Ser1663= (NM_001407583.1, NM_001407585.1, NM_001407587.1 and 1 more transcripts); c.4986A>C, p.Ser1662= (NM_001407590.1, NM_001407591.1); c.4926A>C, p.Ser1642= (NM_001407593.1, NM_001407594.1, NM_001407596.1 and 8 more transcripts); c.4923A>C, p.Ser1641= (NM_001407610.1, NM_001407611.1, NM_001407612.1 and 17 more transcripts); c.4920A>C, p.Ser1640= (NM_001407627.1, NM_001407628.1, NM_001407629.1 and 14 more transcripts); c.4917A>C, p.Ser1639= (NM_001407644.1, NM_001407645.1); and 71 more.
Identifiers: ClinVar variation 868854 (VCV000868854.3), dbSNP rs2052376021, ClinGen allele CA500231645.